The following is an entry in ClinVar:

ClinVar aggregate classification (germline): Uncertain significance (1 of 4 stars; one submission).

Conditions:
Kabuki syndrome. Also called: Kabuki make-up syndrome; NIIKAWA-KUROKI SYNDROME. Identifiers: Orphanet 2322, MedGen C0796004, MONDO:0016512.

Allele frequency attached by ClinVar (database versions not stated): gnomAD 0.00001; TOPMed 0.00001.

Submission:

Labcorp Genetics (formerly Invitae), Labcorp
Classification: Uncertain significance for Kabuki syndrome. Last evaluated: 2023-10-23. Review status: criteria provided, single submitter. Criteria: Invitae Variant Classification Sherloc (09022015). Collection method: clinical testing. Allele origin: germline.
Comment: This sequence change replaces histidine, which is basic and polar, with tyrosine, which is neutral and polar, at codon 1497 of the KMT2D protein (p.His1497Tyr). This variant is not present in population databases (gnomAD no frequency). This variant has not been reported in the literature in individuals affected with KMT2D-related conditions. Advanced modeling of protein sequence and biophysical properties (such as structural, functional, and spatial information, amino acid conservation, physicochemical variation, residue mobility, and thermodynamic stability) has been performed at Invitae for this missense variant, however the output from this modeling did not meet the statistical confidence thresholds required to predict the impact of this variant on KMT2D protein function. In summary, the available evidence is currently insufficient to determine the role of this variant in disease. Therefore, it has been classified as a Variant of Uncertain Significance.

NM_003482.4(KMT2D):c.4489C>T (p.His1497Tyr)

Gene: KMT2D (lysine methyltransferase 2D; minus strand). Cytogenetic location: 12q13.12.
Variant type: single nucleotide variant.
Coding change: c.4489C>T on transcript NM_003482.4 (MANE Select); coding-DNA position 4489, C replaced by T.
Protein change: p.His1497Tyr; replaces histidine 1497 with tyrosine.
Molecular consequence: missense variant.
Genome position (GRCh38, 1-based): chr12:49,046,354, G>A on the plus strand (C>T on the coding strand, the complement: KMT2D is on the minus strand). VCF-style: chr12-49046354-G-A. GRCh37 (hg19) VCF-style: chr12-49440137-G-A.
Other names: short protein forms H1497Y.
Identifiers: ClinVar variation 2798264 (VCV002798264.3), dbSNP rs1190664201, ClinGen allele CA384645625.